The following is an entry in ClinVar:

NM_173546.3(KLHDC8B):c.787C>T (p.Arg263Cys)

Gene: KLHDC8B (kelch domain containing 8B; plus strand). Cytogenetic location: 3p21.31.
Variant type: single nucleotide variant.
Coding change: c.787C>T on transcript NM_173546.3 (MANE Select); coding-DNA position 787, C replaced by T.
Protein change: p.Arg263Cys; replaces arginine 263 with cysteine.
Molecular consequence: missense variant.
Genome position (GRCh38, 1-based): chr3:49,175,082, C>T. VCF-style: chr3-49175082-C-T. GRCh37 (hg19) VCF-style: chr3-49212515-C-T.
Other names: short protein forms R263C.
Identifiers: ClinVar variation 2222980 (VCV002222980.4), dbSNP rs765991228, ClinGen allele CA2395579.
Genomic context (GRCh38, chr3:49,175,082, plus strand): 5'-AGTGTGTACATGACTAGATCTGACCTCCCCTCTCCTGCAGGGTCCTGGACCAAATTGCCC[C>T]GCAGCCTGCGCATGAGGGATAAGAGGGCAGACTTTGTGGTTGGGTCCCTTGGGGGCCACA-3'
Protein context (NP_775817.1, residues 253-273): LEHGSWTKLP[Arg263Cys]SLRMRDKRAD

ClinVar aggregate classification (germline): Uncertain significance. Review status: criteria provided, multiple submitters, no conflicts (2 of 4 stars). 2 submissions from 2 submitters: Uncertain significance (2). Last evaluated 2024-03-27.

Allele frequency attached by ClinVar (database versions not stated): ExAC 0.00001; gnomAD 0.00001; gnomAD exomes 0.00001; TOPMed 0.00002.

Submissions (2):

Labcorp Genetics (formerly Invitae), Labcorp
Classification: Uncertain significance. Last evaluated: 2024-03-27. Review status: criteria provided, single submitter. Criteria: Invitae Variant Classification Sherloc (09022015). Collection method: clinical testing. Allele origin: germline.
Comment: This sequence change replaces arginine, which is basic and polar, with cysteine, which is neutral and slightly polar, at codon 263 of the KLHDC8B protein (p.Arg263Cys). This variant is present in population databases (rs765991228, gnomAD 0.003%). This variant has not been reported in the literature in individuals affected with KLHDC8B-related conditions. ClinVar contains an entry for this variant (Variation ID: 2222980). An algorithm developed to predict the effect of missense changes on protein structure and function (PolyPhen-2) suggests that this variant is likely to be disruptive. In summary, the available evidence is currently insufficient to determine the role of this variant in disease. Therefore, it has been classified as a Variant of Uncertain Significance.

Ambry Genetics
Classification: Uncertain significance. Last evaluated: 2022-10-04. Review status: criteria provided, single submitter. Criteria: Ambry Variant Classification Scheme 2023. Collection method: clinical testing. Allele origin: germline.